The following is an entry in ClinVar:

NM_145725.3(TRAF3):c.1087G>C (p.Glu363Gln)

Gene: TRAF3 (TNF receptor associated factor 3; plus strand). Cytogenetic location: 14q32.32.
Variant type: single nucleotide variant.
Coding change: c.1087G>C on transcript NM_145725.3 (MANE Select); coding-DNA position 1087, G replaced by C.
Protein change: p.Glu363Gln; replaces glutamic acid 363 with glutamine.
Molecular consequence: missense variant.
Genome position (GRCh38, 1-based): chr14:102,903,381, G>C. VCF-style: chr14-102903381-G-C. GRCh37 (hg19) VCF-style: chr14-103369718-G-C.
Other names: c.838G>C, p.Glu280Gln (NM_001199427.2); c.946G>C, p.Glu316Gln (NM_001385142.1); c.1006G>C, p.Glu336Gln (NM_001385143.1); c.1087G>C, p.Glu363Gln (NM_003300.4); c.1012G>C, p.Glu338Gln (NM_145726.3); short protein forms E316Q, E338Q, E280Q, E336Q, E363Q.
Identifiers: ClinVar variation 2026334 (VCV002026334.4), dbSNP rs1434703651, ClinGen allele CA391074782.
Genomic context (GRCh38, chr14:102,903,381, plus strand): 5'-AACTGGGAGGAAGCAGACAGCATGAAGAGCAGCGTGGAGTCCCTCCAGAACCGCGTGACC[G>C]AGCTGGAGAGCGTGGACAAGAGCGCGGGGCAAGTGGCTCGGAACACAGGTGAGGCAGGGG-3'
Protein context (NP_663777.1, residues 353-373): SVESLQNRVT[Glu363Gln]LESVDKSAGQ

ClinVar aggregate classification (germline): Uncertain significance (1 of 4 stars; one submission).

Conditions:
Immunodeficiency 132A. Also called: Herpes simplex encephalitis, susceptibility to, 3. Identifiers: Orphanet 1930, MedGen C3553868, MONDO:0013920, OMIM 614849.

Submission:

Labcorp Genetics (formerly Invitae), Labcorp
Classification: Uncertain significance for Immunodeficiency 132A. Last evaluated: 2022-02-08. Review status: criteria provided, single submitter. Criteria: Invitae Variant Classification Sherloc (09022015). Collection method: clinical testing. Allele origin: germline.
Comment: Algorithms developed to predict the effect of missense changes on protein structure and function (SIFT, PolyPhen-2, Align-GVGD) all suggest that this variant is likely to be tolerated. This variant has not been reported in the literature in individuals affected with TRAF3-related conditions. This variant is not present in population databases (gnomAD no frequency). This sequence change replaces glutamic acid, which is acidic and polar, with glutamine, which is neutral and polar, at codon 363 of the TRAF3 protein (p.Glu363Gln). In summary, the available evidence is currently insufficient to determine the role of this variant in disease. Therefore, it has been classified as a Variant of Uncertain Significance.